The following is an entry in ClinVar:

ClinVar aggregate classification (germline): Uncertain significance (1 of 4 stars; one submission).

Conditions:
Acrodysostosis 2 with or without hormone resistance. Also called: ACRODYSOSTOSIS 2 WITH HORMONE RESISTANCE; ACRODYSOSTOSIS 2 WITHOUT HORMONE RESISTANCE. Identifiers: Orphanet 280651, MedGen C3553250, MONDO:0013822, OMIM 614613.

Submission:

3billion
Classification: Uncertain significance for Acrodysostosis 2 with or without hormone resistance. Last evaluated: 2025-12-07. Review status: criteria provided, single submitter. Criteria: ACMG Guidelines, 2015. Collection method: clinical testing. Allele origin: germline. Affected: yes.
Comment: The variant is not observed in the gnomAD v4.1.0 dataset. Predicted Consequence/Location: Missense variant. Missense changes are a common disease-causing mechanism. In silico tool prediction suggests damaging effect of the variant on gene or gene product [REVEL: 0.62 (>=0.6, sensitivity 0.68 and specificity 0.92)]. Therefore, this variant is classified as VUS according to the recommendation of ACMG/AMP guideline.

NM_001104631.2(PDE4D):c.1000T>C (p.Ser334Pro)

Gene: PDE4D (phosphodiesterase 4D; minus strand). Cytogenetic location: 5q11.2.
Variant type: single nucleotide variant.
Coding change: c.1000T>C on transcript NM_001104631.2 (MANE Select); coding-DNA position 1000, T replaced by C.
Protein change: p.Ser334Pro; replaces serine 334 with proline.
Molecular consequence: missense variant.
Genome position (GRCh38, 1-based): chr5:58,993,387, A>G on the plus strand (T>C on the coding strand, the complement: PDE4D is on the minus strand). VCF-style: chr5-58993387-A-G. GRCh37 (hg19) VCF-style: chr5-58289214-A-G.
Other names: c.817T>C, p.Ser273Pro (NM_001165899.2, NM_001364599.1); c.808T>C, p.Ser270Pro (NM_001197218.2); c.634T>C, p.Ser212Pro (NM_001197219.2); c.610T>C, p.Ser204Pro (NM_001197220.2); c.94T>C, p.Ser32Pro (NM_001197221.2, NM_001364603.1); c.328T>C, p.Ser110Pro (NM_001197222.2); c.127T>C, p.Ser43Pro (NM_001197223.2); c.787T>C, p.Ser263Pro (NM_001349241.2); and 3 more; short protein forms S110P, S198P, S204P, S212P, S224P, S263P, S270P, S273P.
Identifiers: ClinVar variation 4855732 (VCV004855732.1).